The following is an entry in ClinVar:

ClinVar aggregate classification (germline): Uncertain significance (1 of 4 stars; one submission).

Conditions:
Mitochondrial DNA depletion syndrome, myopathic form (MTDPS2). Also called: MITOCHONDRIAL DNA DEPLETION SYNDROME 2 (MYOPATHIC TYPE); TK2-Related Mitochondrial DNA Maintenance Defect, Myopathic Form; MITOCHONDRIAL DNA DEPLETION MYOPATHY, TK2-RELATED. Identifiers: Orphanet 254875, MedGen C3149750, MONDO:0012301, OMIM 609560.

Allele frequency attached by ClinVar (database versions not stated): gnomAD exomes below 0.00001; gnomAD 0.00001.
gnomAD v4.1: 2 of 1,353,506 alleles (0.00015%); highest among the groups gnomAD compares: East Asian, 0.003%; no homozygotes.

Submission:

MGZ Medical Genetics Center
Classification: Uncertain significance for Mitochondrial DNA depletion syndrome, myopathic form. Last evaluated: 2022-06-14. Review status: criteria provided, single submitter. Criteria: ACMG Guidelines, 2015. Collection method: clinical testing. Allele origin: germline. Affected: yes. Observed: 1 variant allele.
Comment: ACMG criteria applied: PM2_SUP, PP3

NM_004614.5(TK2):c.124+3A>G

Genes: TK2 (thymidine kinase 2; minus strand), LOC130059156 (ATAC-STARR-seq lymphoblastoid silent region 7560; plus strand). Cytogenetic location: 16q21.
Variant type: single nucleotide variant.
Coding change: c.124+3A>G on transcript NM_004614.5 (MANE Select); 3 bases into the intron after coding-DNA position 124, A replaced by G.
Molecular consequence: intron variant. On other transcripts: 5 prime UTR variant (1), non-coding transcript variant (1).
Genome position (GRCh38, 1-based): chr16:66,549,935, T>C on the plus strand (A>G on the coding strand, the complement: TK2 is on the minus strand). VCF-style: chr16-66549935-T-C. GRCh37 (hg19) VCF-style: chr16-66583838-T-C.
Other names: c.-526A>G (NM_001272050.2); c.31+318A>G (NM_001271935.1, NM_001172643.1); c.124+3A>G (NM_001172644.2, NM_001172645.2); c.-119+3A>G (NM_001271934.2).
Identifiers: ClinVar variation 1709544 (VCV001709544.2), dbSNP rs1178715756, ClinGen allele CA495918274.